The following is an entry in ClinVar:

ClinVar aggregate classification (germline): Uncertain significance (1 of 4 stars; one submission).

Allele frequency attached by ClinVar (database versions not stated): gnomAD 0.00001; 1000 Genomes Project 30x 0.00016; 1000 Genomes Project 0.00020; gnomAD exomes below 0.00001; TOPMed below 0.00001.
gnomAD v4.1: 5 of 1,520,486 alleles (0.00033%); highest among the groups gnomAD compares: South Asian, 0.0037%; no homozygotes.

Submission:

Labcorp Genetics (formerly Invitae), Labcorp
Classification: Uncertain significance. Last evaluated: 2023-10-09. Review status: criteria provided, single submitter. Criteria: Invitae Variant Classification Sherloc (09022015). Collection method: clinical testing. Allele origin: germline.
Comment: This sequence change replaces arginine, which is basic and polar, with glutamine, which is neutral and polar, at codon 83 of the C1QTNF5 protein (p.Arg83Gln). This variant is not present in population databases (gnomAD no frequency). This variant has not been reported in the literature in individuals affected with C1QTNF5-related conditions. An algorithm developed to predict the effect of missense changes on protein structure and function (PolyPhen-2) suggests that this variant is likely to be tolerated. In summary, the available evidence is currently insufficient to determine the role of this variant in disease. Therefore, it has been classified as a Variant of Uncertain Significance.

NM_001278431.2(C1QTNF5):c.248G>A (p.Arg83Gln)

Genes: C1QTNF5 (C1q and TNF related 5; minus strand), MFRP (membrane frizzled-related protein; minus strand). Cytogenetic location: 11q23.3.
Variant type: single nucleotide variant.
Coding change: c.248G>A on transcript NM_001278431.2 (MANE Select); coding-DNA position 248, G replaced by A.
Protein change: p.Arg83Gln; replaces arginine 83 with glutamine.
Molecular consequence: missense variant. On other transcripts: 3 prime UTR variant (1).
Genome position (GRCh38, 1-based): chr11:119,339,815, C>T on the plus strand (G>A on the coding strand, the complement: C1QTNF5 is on the minus strand). VCF-style: chr11-119339815-C-T. GRCh37 (hg19) VCF-style: chr11-119210525-C-T.
Other names: c.248G>A, p.Arg83Gln (NM_015645.5); c.*1144G>A (NM_031433.4); short protein forms R83Q.
Identifiers: ClinVar variation 2776104 (VCV002776104.3), dbSNP rs577592067, ClinGen allele CA6319970.